The following is an entry in ClinVar:

ClinVar aggregate classification (germline): Uncertain significance. Review status: criteria provided, multiple submitters, no conflicts (2 of 4 stars). 3 submissions from 3 submitters: Uncertain significance (3). Last evaluated 2026-06-27.

Conditions:
OTOG-related disorder. Also called: OTOG-related condition.

Allele frequency attached by ClinVar (database versions not stated): gnomAD exomes 0.00007 and 0.00014; TOPMed 0.00009; 1000 Genomes Project 30x 0.00016; ExAC 0.00019.
gnomAD v4.1: 108 of 1,550,548 alleles (0.007%); highest among the groups gnomAD compares: South Asian, 0.045%; 2 homozygotes.

Submissions (3):

GeneDx
Classification: Uncertain significance. Last evaluated: 2026-06-27. Review status: criteria provided, single submitter. Criteria: GeneDx Variant Classification Process June 2021. Collection method: clinical testing. Allele origin: germline.
Comment: In silico analysis suggests that this missense variant does not alter protein structure/function; Has not been previously published as pathogenic or benign to our knowledge

PreventionGenetics, part of Exact Sciences
Classification: Uncertain significance for OTOG-related condition. Last evaluated: 2026-02-02. Review status: criteria provided, single submitter. Criteria: ACMG Guidelines, 2015. Collection method: clinical testing. Allele origin: germline.
Comment: The OTOG c.5717C>T variant is predicted to result in the amino acid substitution p.Thr1906Met. To our knowledge, this variant has not been reported in the literature. This variant is reported in 0.043% of alleles in individuals of Latino descent in gnomAD. At this time, the clinical significance of this variant is uncertain due to the absence of conclusive functional and genetic evidence.

Labcorp Genetics (formerly Invitae), Labcorp
Classification: Uncertain significance. Last evaluated: 2022-10-24. Review status: criteria provided, single submitter. Criteria: Invitae Variant Classification Sherloc (09022015). Collection method: clinical testing. Allele origin: germline.
Comment: Algorithms developed to predict the effect of missense changes on protein structure and function output the following: SIFT: "Tolerated"; PolyPhen-2: "Benign"; Align-GVGD: "Class C0". The methionine amino acid residue is found in multiple mammalian species, which suggests that this missense change does not adversely affect protein function. This sequence change replaces threonine, which is neutral and polar, with methionine, which is neutral and non-polar, at codon 1906 of the OTOG protein (p.Thr1906Met). This variant is present in population databases (rs759042084, gnomAD 0.04%). This variant has not been reported in the literature in individuals affected with OTOG-related conditions. ClinVar contains an entry for this variant (Variation ID: 1372244). In summary, the available evidence is currently insufficient to determine the role of this variant in disease. Therefore, it has been classified as a Variant of Uncertain Significance.

NM_001292063.2(OTOG):c.5681C>T (p.Thr1894Met)

Gene: OTOG (otogelin; plus strand). Cytogenetic location: 11p15.1.
Variant type: single nucleotide variant.
Coding change: c.5681C>T on transcript NM_001292063.2 (MANE Select); coding-DNA position 5681, C replaced by T.
Protein change: p.Thr1894Met; replaces threonine 1894 with methionine.
Molecular consequence: missense variant.
Genome position (GRCh38, 1-based): chr11:17,610,981, C>T. VCF-style: chr11-17610981-C-T. GRCh37 (hg19) VCF-style: chr11-17632528-C-T.
Other names: c.5717C>T, p.Thr1906Met (NM_001277269.2); c.5717C>T (NM_001277269.1); short protein forms T1906M, T1894M.
Identifiers: ClinVar variation 1372244 (VCV001372244.10), dbSNP rs759042084, ClinGen allele CA5905946.